The following is an entry in ClinVar:

NM_130849.4(SLC39A4):c.184T>C (p.Cys62Arg)

Gene: SLC39A4 (solute carrier family 39 member 4; minus strand). Cytogenetic location: 8q24.3.
Variant type: single nucleotide variant.
Coding change: c.184T>C on transcript NM_130849.4 (MANE Select); coding-DNA position 184, T replaced by C.
Protein change: p.Cys62Arg; replaces cysteine 62 with arginine.
Molecular consequence: missense variant.
Genome position (GRCh38, 1-based): chr8:144,416,606, A>G on the plus strand (T>C on the coding strand, the complement: SLC39A4 is on the minus strand). VCF-style: chr8-144416606-A-G. GRCh37 (hg19) VCF-style: chr8-145641990-A-G.
Other names: c.184T>C, p.Cys62Arg (NM_001374839.1); short protein forms C62R.
Identifiers: ClinVar variation 3384789 (VCV003384789.1).

ClinVar aggregate classification (germline): Uncertain significance (1 of 4 stars; one submission).

Submission:

Women's Health and Genetics/Laboratory Corporation of America, LabCorp
Classification: Uncertain significance. Last evaluated: 2024-10-10. Review status: criteria provided, single submitter. Criteria: LabCorp Variant Classification Summary - May 2015. Collection method: clinical testing. Allele origin: germline.
Comment: Variant summary: SLC39A4 c.184T>C (p.Cys62Arg) results in a non-conservative amino acid change located in the Zinc transporter ZIP4, N-terminal domain (IPR041137) of the encoded protein sequence. Three of four in-silico tools predict a damaging effect of the variant on protein function. The variant was absent in 202594 control chromosomes (gnomAD). c.184T>C has been reported in the literature in at least one homozygous individual affected with Acrodermatitis Enteropathica (Kry_2003, Kuliyev_2021). These data indicate that the variant may be associated with disease. At least one publication reports this variant had an impact on protein function (Kuliyev_2021). The following publications have been ascertained in the context of this evaluation (PMID: 30174688, 18936158, 12955721, 33837739). No submitters have cited clinical-significance assessments for this variant to ClinVar. Based on the evidence outlined above, the variant was classified as VUS-possibly pathogenic.

Literature cited by the submitters: PubMed 33837739; PubMed 30174688; PubMed 18936158; PubMed 12955721.